The following is an entry in ClinVar:

NM_000157.4(GBA1):c.1483G>C (p.Ala495Pro)

Genes: GBA1 (glucosylceramidase beta 1; minus strand), LOC106627981 (GBA recombination region; plus strand). Cytogenetic location: 1q22.
Variant type: single nucleotide variant.
Coding change: c.1483G>C on transcript NM_000157.4 (MANE Select); coding-DNA position 1483, G replaced by C.
Protein change: p.Ala495Pro; replaces alanine 495 with proline.
Molecular consequence: missense variant.
Genome position (GRCh38, 1-based): chr1:155,235,217, C>G on the plus strand (G>C on the coding strand, the complement: GBA1 is on the minus strand). VCF-style: chr1-155235217-C-G. GRCh37 (hg19) VCF-style: chr1-155205008-C-G.
Other names: A456P; c.1483G>C, p.Ala495Pro (NM_001005741.3, NM_001005742.3); c.1222G>C, p.Ala408Pro (NM_001171811.2); c.1336G>C, p.Ala446Pro (NM_001171812.2); short protein forms A495P, A408P, A446P.
Identifiers: ClinVar variation 93450 (VCV000093450.42), dbSNP rs368060, ClinGen allele CA146980.
Genomic context (GRCh38, chr1:155,235,217, plus strand): 5'-TCTTCAGCCCACTTCCCAGACCTCACCATTGCCCTCACCGGTTTAGCACGACCACAACAG[C>G]AGAGCCATCGGGATGCATCAGTGCCACTGCGTCCAGGTCGTTCTTCTGACTGGCAACCAG-3'
Protein context (NP_000148.2, residues 485-505): AVALMHPDGS[Ala495Pro]VVVVLNRSSK

ClinVar aggregate classification (germline): Conflicting classifications of pathogenicity. Review status: criteria provided, conflicting classifications (1 of 4 stars). 8 submissions from 8 submitters: Pathogenic (1); Likely pathogenic (1); Uncertain significance (5); Benign (1). Last evaluated 2026-08-06.

Conditions:
Gaucher disease type III. Also called: Type 3 Gaucher disease (Subacute; Juvenile); Gaucher Disease, Type 3; GAUCHER DISEASE, CHRONIC NEURONOPATHIC TYPE; GAUCHER DISEASE, JUVENILE AND ADULT, CEREBRAL; GAUCHER DISEASE, SUBACUTE NEURONOPATHIC TYPE; GD III. Identifiers: Orphanet 355, Orphanet 77261, MedGen C0268251, MONDO:0009267, OMIM 231000.

Allele frequency attached by ClinVar (database versions not stated): gnomAD exomes 0.00014 and 0.00055; gnomAD 0.00077 and 0.00081; 1000 Genomes Project 30x 0.00141; ExAC 0.00012.
gnomAD v4.1: 936 of 1,612,176 alleles (0.058%); highest among the groups gnomAD compares: Admixed American, 0.17%; 1 homozygote.

Submissions (8):

OLLIN Analises Genomicas, OLLIN
Classification: Uncertain significance for Gaucher disease type III. Last evaluated: 2026-08-06. Review status: criteria provided, single submitter. Criteria: ACMG Guidelines 2015 PMID 25741868. Collection method: clinical testing. Allele origin: germline. Inheritance: Autosomal recessive inheritance.
Comment: This missense variant, located in exon 10 (of 11), has been reported in ClinVar (accession VCV000004297.9) and in gnomAD with an allele frequency of 0.058%. However, to our knowledge, it has not been reported in the scientific literature. Functional studies suggest that this variant may affect protein function, and in silico analysis predicts a deleterious effect. This gene is constrained for missense variation. According to the currently available evidence, this variant has been classified as uncertain significance (PS3_P, PM3, PP2, PP3).

Women's Health and Genetics/Laboratory Corporation of America, LabCorp
Classification: Uncertain significance. Last evaluated: 2025-08-01. Review status: criteria provided, single submitter. Criteria: LabCorp Variant Classification Summary - May 2015. Collection method: clinical testing. Allele origin: germline.
Comment: Variant summary: GBA1 c.1483G>C (p.Ala495Pro) results in a non-conservative amino acid change located in the Glycosyl hydrolase family 30, beta sandwich domain (IPR033452) of the encoded protein sequence. Algorithms developed to predict the effect of missense changes on protein structure and function all suggest that this variant is likely to be disruptive. The variant was absent in 1612176 control chromosomes. The available data on variant occurrences in the general population are insufficient to allow any conclusion about variant significance. c.1483G>C has been reported in the literature as part of the frequently encountered GBA complex alleles, RecTL or Rec NciI in individuals affected with Gaucher Disease and GBA-associated phenotypes of Parkinson Disease (example, Latham_1990, Grace_1994, Zimran_1994, Lau_1999, Stone_2000, Wittman_2012, Jesus_2016, Bhutada_2018, Kang_2018, Marchi_2020, Petrucci_2020, Slingerland_2024, Chetruengchai_2024). Rec TL and Rec NCiI are complex recombination alleles that carry two or more disease causing mutations due to gene conversion events between the GBA and the pseudo-GBA (GBAP) genes. To our knowledge, this variant has never been reported in isolation as a homozygous or compound heterozygous genotype in individuals with Gaugher Disease. These report(s) do not provide unequivocal conclusions about association of the variant with Gaucher Disease. At least one publication reports in-vitro experimental evidence evaluating an impact on protein function, however, does not allow convincing conclusions about the variant effect (Grace_1994). The following publications have been ascertained in the context of this evaluation (PMID: 29854527, 38167091, 8294487, 28030538, 29934114, 2349952, 10369158, 32031266, 32658388, 38647370, 37748026, 10685993, 23430949, 8160756, 8294487). ClinVar contains an entry for this variant (Variation ID: 93450). Based on the evidence outlined above, the variant was classified as uncertain significance.

ARUP Laboratories, Molecular Genetics and Genomics, ARUP Laboratories
Classification: Uncertain significance. Last evaluated: 2025-07-22. Review status: criteria provided, single submitter. Criteria: ARUP Molecular Germline Variant Investigation Process 2024. Collection method: clinical testing. Allele origin: germline.

Blueprint Genetics
Classification: Uncertain significance. Last evaluated: 2024-11-22. Review status: criteria provided, single submitter. Criteria: ACMG Guidelines, 2015. Collection method: clinical testing. Allele origin: germline.

Revvity Omics, Revvity
Classification: Uncertain significance. Last evaluated: 2024-02-15. Review status: criteria provided, single submitter. Criteria: ACMG Guidelines, 2015. Collection method: clinical testing. Allele origin: germline.

CeGaT Center for Human Genetics Tuebingen
Classification: Likely pathogenic. Last evaluated: 2023-03-01. Review status: criteria provided, single submitter. Criteria: CeGaT Center For Human Genetics Tuebingen Variant Classification Criteria Version 2. Collection method: clinical testing. Allele origin: germline. Affected: yes. Observed: 1 variant allele.
Comment: GBA1: PM2, PM3, PP1, PP4

Ambry Genetics
Classification: Pathogenic. Last evaluated: 2017-05-24. Review status: criteria provided, single submitter. Criteria: Ambry Variant Classification Scheme 2023. Collection method: clinical testing. Allele origin: germline.
Comment: The p.[L483P;A495P;V499V] pathogenic mutation (also known as c.[1448T>C;1483G>C;1497G>C]), located in coding exon 10 of the GBA gene, results from a T to C substitution at nucleotide position 1448, a G to C substitution at nucleotide position 1483, and a G to C substitution at nucleotide position 1497. This complex allele, also referred to as recNciI and L444P;A456P;V460V, has been reported in multiple cases of Gaucher disease, either in homozygous state or in trans with another GBA pathogenic mutation. It has been suggested that the complex allele results from gene recombination between GBA and its pseudogene (Zimran A et al. J. Clin. Invest., 1990 Jan;85:219-22; Latham T et al. Am. J. Hum. Genet., 1990 Jul;47:79-86; Horowitz M et al. Am. J. Hum. Genet., 1993 Oct;53:921-30; Strasberg PM et al. Biochem. Med. Metab. Biol., 1994 Oct;53:16-21; Sidransky E et al. J. Med. Genet., 1996 Feb;33:132-6; Tayebi N et al. Am. J. Hum. Genet., 2003 Mar;72:519-34; Saranjam H et al. Eur. J. Hum. Genet., 2013 Jan;21:115-7). In addition, functional studies showed that the complex allele greatly reduces enzyme activity (Grace ME et al. J. Biol. Chem., 1994 Jan;269:2283-91; Pasmanik-Chor M et al. Hum. Mol. Genet., 1997 Jun;6:887-95). Based on the supporting evidence, this complex allele is interpreted as a disease-causing mutation.

Eurofins Ntd Llc (ga)
Classification: Benign. Last evaluated: 2012-07-24. Review status: criteria provided, single submitter. Criteria: EGL Classification Definitions 2015. Collection method: clinical testing. Allele origin: germline. Observed: 31 variant alleles, 30 heterozygotes, 1 homozygote.

Literature cited by the submitters: PubMed 8294487 (cited by Women's Health and Genetics/Laboratory Corporation of America, LabCorp and Ambry Genetics); PubMed 23430949 (cited by Women's Health and Genetics/Laboratory Corporation of America, LabCorp); PubMed 29934114 (cited by Women's Health and Genetics/Laboratory Corporation of America, LabCorp); PubMed 32658388 (cited by Women's Health and Genetics/Laboratory Corporation of America, LabCorp); PubMed 29854527 (cited by Women's Health and Genetics/Laboratory Corporation of America, LabCorp); PubMed 28030538 (cited by Women's Health and Genetics/Laboratory Corporation of America, LabCorp); PubMed 2349952 (cited by Women's Health and Genetics/Laboratory Corporation of America, LabCorp and Ambry Genetics); PubMed 10369158 (cited by Women's Health and Genetics/Laboratory Corporation of America, LabCorp); PubMed 32031266 (cited by Women's Health and Genetics/Laboratory Corporation of America, LabCorp); PubMed 10685993 (cited by Women's Health and Genetics/Laboratory Corporation of America, LabCorp); PubMed 8160756 (cited by Women's Health and Genetics/Laboratory Corporation of America, LabCorp); PubMed 38647370 (cited by Women's Health and Genetics/Laboratory Corporation of America, LabCorp); PubMed 38167091 (cited by Women's Health and Genetics/Laboratory Corporation of America, LabCorp); PubMed 37748026 (cited by Women's Health and Genetics/Laboratory Corporation of America, LabCorp); PubMed 12587096 (cited by Ambry Genetics); PubMed 22713811 (cited by Ambry Genetics); PubMed 2295698 (cited by Ambry Genetics); PubMed 7857677 (cited by Ambry Genetics); PubMed 8213821 (cited by Ambry Genetics); PubMed 8929950 (cited by Ambry Genetics); PubMed 9175735 (cited by Ambry Genetics).